The following is an entry in ClinVar:

NM_017534.6(MYH2):c.3448G>A (p.Glu1150Lys)

Genes: MYH2 (myosin heavy chain 2; minus strand), MYHAS (myosin heavy chain gene cluster antisense RNA; plus strand). Cytogenetic location: 17p13.1.
Variant type: single nucleotide variant.
Coding change: c.3448G>A on transcript NM_017534.6 (MANE Select); coding-DNA position 3448, G replaced by A.
Protein change: p.Glu1150Lys; replaces glutamic acid 1150 with lysine.
Molecular consequence: missense variant.
Genome position (GRCh38, 1-based): chr17:10,528,986, C>T on the plus strand (G>A on the coding strand, the complement: MYH2 is on the minus strand). VCF-style: chr17-10528986-C-T. GRCh37 (hg19) VCF-style: chr17-10432303-C-T.
Other names: c.3448G>A, p.Glu1150Lys (NM_001100112.2); short protein forms E1150K.
Identifiers: ClinVar variation 2104359 (VCV002104359.4), dbSNP rs2508428986, ClinGen allele CA398134342.

ClinVar aggregate classification (germline): Uncertain significance (1 of 4 stars; one submission).

Conditions:
Myopathy, proximal, and ophthalmoplegia (CMYO6). Also called: INCLUSION BODY MYOPATHY 3, AUTOSOMAL DOMINANT; CONGENITAL MYOPATHY 6 WITH OPHTHALMOPLEGIA; MYOPATHY WITH CONGENITAL JOINT CONTRACTURES, OPHTHALMOPLEGIA, AND RIMMED VACUOLES. Identifiers: Orphanet 363677, Orphanet 79091, MedGen C1854106, MONDO:0011577, OMIM 605637.

Submission:

Labcorp Genetics (formerly Invitae), Labcorp
Classification: Uncertain significance for Myopathy, proximal, and ophthalmoplegia. Last evaluated: 2022-08-09. Review status: criteria provided, single submitter. Criteria: Invitae Variant Classification Sherloc (09022015). Collection method: clinical testing. Allele origin: germline.
Comment: In summary, the available evidence is currently insufficient to determine the role of this variant in disease. Therefore, it has been classified as a Variant of Uncertain Significance. Algorithms developed to predict the effect of missense changes on protein structure and function (SIFT, PolyPhen-2, Align-GVGD) all suggest that this variant is likely to be disruptive. This variant has not been reported in the literature in individuals affected with MYH2-related conditions. This variant is not present in population databases (gnomAD no frequency). This sequence change replaces glutamic acid, which is acidic and polar, with lysine, which is basic and polar, at codon 1150 of the MYH2 protein (p.Glu1150Lys).